The following is an entry in ClinVar:

ClinVar aggregate classification (germline): Benign. Review status: criteria provided, multiple submitters, no conflicts (2 of 4 stars). 3 submissions from 3 submitters: Benign (3). Last evaluated 2023-11-12.

Allele frequency attached by ClinVar (database versions not stated): 1000 Genomes Project 30x 0.78545; TOPMed 0.82404; 1000 Genomes Project 0.78395; ESP Exome Variant Server 0.83415.
gnomAD v4.1: 1,389,697 of 1,610,424 alleles (86%); highest among the groups gnomAD compares: Non-Finnish European, 88%; 601,810 homozygotes.

Submissions (3):

Unidad de Genómica Garrahan, Hospital de Pediatría Garrahan
Classification: Benign. Last evaluated: 2023-11-12. Review status: criteria provided, single submitter. Criteria: ACMG Guidelines, 2015. Collection method: clinical testing. Allele origin: germline. Affected: no. Observed: 86 variant alleles.
Comment: This variant is classified as Benign based on local population frequency. This variant was detected in 90% of patients studied by a panel of primary immunodeficiencies. Number of patients: 86. Only high quality variants are reported.

GeneDx
Classification: Benign. Last evaluated: 2021-05-13. Review status: criteria provided, single submitter. Criteria: GeneDx Variant Classification Process June 2021. Collection method: clinical testing. Allele origin: germline. Affected: yes.

Breakthrough Genomics
Classification: Benign. Review status: criteria provided, single submitter. Criteria: ACMG Guidelines, 2015. Collection method: not provided. Allele origin: germline. Inheritance: Autosomal dominant inheritance. Affected: yes.

NM_144687.4(NLRP12):c.2073-42C>G

Gene: NLRP12 (NLR family pyrin domain containing 12; minus strand). Cytogenetic location: 19q13.42.
Variant type: single nucleotide variant.
Coding change: c.2073-42C>G on transcript NM_144687.4 (MANE Select); 42 bases into the intron before coding-DNA position 2073, C replaced by G.
Molecular consequence: intron variant.
Genome position (GRCh38, 1-based): chr19:53,807,707, G>C on the plus strand (C>G on the coding strand, the complement: NLRP12 is on the minus strand). VCF-style: chr19-53807707-G-C. GRCh37 (hg19) VCF-style: chr19-54310961-G-C.
Other names: c.2073-42C>G (NM_001277129.1); c.2073-39C>G (NM_001277126.2).
Identifiers: ClinVar variation 1230124 (VCV001230124.6), dbSNP rs2866112, ClinGen allele CA9639239.